The following is an entry in ClinVar:

ClinVar aggregate classification (germline): Uncertain significance. Review status: criteria provided, multiple submitters, no conflicts (2 of 4 stars). 2 submissions from 2 submitters: Uncertain significance (2). Last evaluated 2025-06-22.

Conditions:
Hereditary cancer-predisposing syndrome. Also called: Hereditary Cancer Syndrome; Tumor predisposition; Neoplastic Syndromes, Hereditary; Hereditary neoplastic syndrome. Identifiers: Orphanet 140162, MedGen C0027672, MeSH D009386, MONDO:0015356.

Submissions (2):

Labcorp Genetics (formerly Invitae), Labcorp
Classification: Uncertain significance. Last evaluated: 2025-06-22. Review status: criteria provided, single submitter. Criteria: Invitae Variant Classification Sherloc (09022015). Collection method: clinical testing. Allele origin: germline.
Comment: This sequence change replaces valine, which is neutral and non-polar, with leucine, which is neutral and non-polar, at codon 340 of the CTNNA1 protein (p.Val340Leu). This variant is not present in population databases (gnomAD no frequency). This variant has not been reported in the literature in individuals affected with CTNNA1-related conditions. ClinVar contains an entry for this variant (Variation ID: 1015164). Invitae Evidence Modeling of protein sequence and biophysical properties (such as structural, functional, and spatial information, amino acid conservation, physicochemical variation, residue mobility, and thermodynamic stability) indicates that this missense variant is not expected to disrupt CTNNA1 protein function with a negative predictive value of 80%. In summary, the available evidence is currently insufficient to determine the role of this variant in disease. Therefore, it has been classified as a Variant of Uncertain Significance.

Ambry Genetics
Classification: Uncertain significance for Hereditary cancer-predisposing syndrome. Last evaluated: 2025-01-19. Review status: criteria provided, single submitter. Criteria: Ambry Variant Classification Scheme 2023. Collection method: clinical testing. Allele origin: germline.
Comment: The p.V340L variant (also known as c.1018G>C), located in coding exon 6 of the CTNNA1 gene, results from a G to C substitution at nucleotide position 1018. The valine at codon 340 is replaced by leucine, an amino acid with highly similar properties. This amino acid position is conserved. In addition, the in silico prediction for this alteration is inconclusive. Based on the available evidence, the clinical significance of this variant remains unclear.

NM_001903.5(CTNNA1):c.1018G>C (p.Val340Leu)

Gene: CTNNA1 (catenin alpha 1; plus strand). Cytogenetic location: 5q31.2.
Variant type: single nucleotide variant.
Coding change: c.1018G>C on transcript NM_001903.5 (MANE Select); coding-DNA position 1018, G replaced by C.
Protein change: p.Val340Leu; replaces valine 340 with leucine.
Molecular consequence: missense variant.
Genome position (GRCh38, 1-based): chr5:138,827,674, G>C. VCF-style: chr5-138827674-G-C. GRCh37 (hg19) VCF-style: chr5-138163363-G-C.
Other names: c.1018G>C, p.Val340Leu (NM_001290307.3, NM_001323982.2, NM_001323983.1 and 3 more transcripts); c.709G>C, p.Val237Leu (NM_001290309.3); c.649G>C, p.Val217Leu (NM_001290310.3); c.1018G>C (NM_001903.2); short protein forms V217L, V237L, V340L.
Identifiers: ClinVar variation 1015164 (VCV001015164.9), dbSNP rs1760856868, ClinGen allele CA361131190.